The following is an entry in ClinVar:

NM_001160372.4(TRAPPC9):c.1460T>G (p.Leu487Arg)

Gene: TRAPPC9 (trafficking protein particle complex subunit 9; minus strand). Cytogenetic location: 8q24.3.
Variant type: single nucleotide variant.
Coding change: c.1460T>G on transcript NM_001160372.4 (MANE Select); coding-DNA position 1460, T replaced by G.
Protein change: p.Leu487Arg; replaces leucine 487 with arginine.
Molecular consequence: missense variant. On other transcripts: non-coding transcript variant (1), intron variant (1).
Genome position (GRCh38, 1-based): chr8:140,360,085, A>C on the plus strand (T>G on the coding strand, the complement: TRAPPC9 is on the minus strand). VCF-style: chr8-140360085-A-C. GRCh37 (hg19) VCF-style: chr8-141370184-A-C.
Other names: c.1433T>G, p.Leu478Arg (NM_001321646.2); c.1481T>G, p.Leu494Arg (NM_001374682.1); c.1460T>G, p.Leu487Arg (NM_001374683.1, NM_031466.8); c.1351+10879T>G (NM_001374684.1); short protein forms L487R, L478R, L494R.
Identifiers: ClinVar variation 3674864 (VCV003674864.2).

ClinVar aggregate classification (germline): Uncertain significance (1 of 4 stars; one submission).

Submission:

Labcorp Genetics (formerly Invitae), Labcorp
Classification: Uncertain significance. Last evaluated: 2024-04-15. Review status: criteria provided, single submitter. Criteria: Invitae Variant Classification Sherloc (09022015). Collection method: clinical testing. Allele origin: germline.
Comment: This sequence change replaces leucine, which is neutral and non-polar, with arginine, which is basic and polar, at codon 585 of the TRAPPC9 protein (p.Leu585Arg). This variant is present in population databases (no rsID available, gnomAD 0.003%). This variant has not been reported in the literature in individuals affected with TRAPPC9-related conditions. An algorithm developed to predict the effect of missense changes on protein structure and function (PolyPhen-2) suggests that this variant is likely to be disruptive. In summary, the available evidence is currently insufficient to determine the role of this variant in disease. Therefore, it has been classified as a Variant of Uncertain Significance.